The following is an entry in ClinVar:

ClinVar aggregate classification (germline): Uncertain significance (1 of 4 stars; one submission).

Submission:

GeneDx
Classification: Uncertain significance. Last evaluated: 2023-02-03. Review status: criteria provided, single submitter. Criteria: GeneDx Variant Classification Process June 2021. Collection method: clinical testing. Allele origin: germline. Affected: yes.
Comment: Not observed at significant frequency in large population cohorts (gnomAD); In silico analysis supports that this missense variant has a deleterious effect on protein structure/function; Has not been previously published as pathogenic or benign to our knowledge

NM_001353345.2(SETD1B):c.5692G>A (p.Gly1898Ser)

Gene: SETD1B (SET domain containing 1B, histone lysine methyltransferase; plus strand). Cytogenetic location: 12q24.31.
Variant type: single nucleotide variant.
Coding change: c.5692G>A on transcript NM_001353345.2 (MANE Select); coding-DNA position 5692, G replaced by A.
Protein change: p.Gly1898Ser; replaces glycine 1898 with serine.
Molecular consequence: missense variant.
Genome position (GRCh38, 1-based): chr12:121,828,035, G>A. VCF-style: chr12-121828035-G-A. GRCh37 (hg19) VCF-style: chr12-122265941-G-A.
Other names: short protein forms G1898S.
Identifiers: ClinVar variation 2574874 (VCV002574874.1), dbSNP rs2500253525, ClinGen allele CA387005456.
Genomic context (GRCh38, chr12:121,828,035, plus strand): 5'-ATCGGGAGCAGCTACATGTTCCGGGTGGACCATGACACCATCATCGACGCCACCAAGTGC[G>A]GCAACTTCGCGCGCTTCATCAACCACAGCTGCAACGTGAGTGCCCAGCGGGGGGTGGCCC-3'
Protein context (NP_001340274.1, residues 1888-1908): HDTIIDATKC[Gly1898Ser]NFARFINHSC